The following is an entry in ClinVar:

NM_173543.3(DZIP1L):c.1818G>A (p.Ser606=)

Gene: DZIP1L (DAZ interacting zinc finger protein 1 like; minus strand). Cytogenetic location: 3q22.3.
Variant type: single nucleotide variant.
Coding change: c.1818G>A on transcript NM_173543.3 (MANE Select); coding-DNA position 1818, G replaced by A.
Protein change: p.Ser606=; no amino-acid change (serine 606 retained).
Molecular consequence: synonymous variant.
Genome position (GRCh38, 1-based): chr3:138,068,165, C>T on the plus strand (G>A on the coding strand, the complement: DZIP1L is on the minus strand). VCF-style: chr3-138068165-C-T. GRCh37 (hg19) VCF-style: chr3-137787007-C-T.
Identifiers: ClinVar variation 4990509 (VCV004990509.1).
Genomic context (GRCh38, chr3:138,068,165, plus strand): 5'-GAGCCACCACTGCAGGTGGGGTGAGAGGGCAGAGTCTGGGGCTCACCTCATCCCGGGCCC[C>T]GAGGAAGGAGGGGTGCTGGAGGGTCCATGCAGTCCGGGGCGTGGAGCGGGGGCGGACACC-3'
Protein context (NP_775814.2, residues 596-616): LHGPSSTPPS[Ser606=]GPGMSTPPFS

ClinVar aggregate classification (germline): Likely benign (1 of 4 stars; one submission).

Conditions:
DZIP1L-related disorder. Also called: DZIP1L-related condition.

gnomAD v4.1: 34 of 1,510,020 alleles (0.0023%); highest among the groups gnomAD compares: Admixed American, 0.011%; no homozygotes.

Submission:

PreventionGenetics, part of Exact Sciences
Classification: Likely benign for DZIP1L-related condition. Last evaluated: 2025-05-24. Review status: criteria provided, single submitter. Criteria: ACMG Guidelines, 2015. Collection method: clinical testing. Allele origin: germline.
Comment: This variant is classified as likely benign based on ACMG/AMP sequence variant interpretation guidelines (Richards et al. 2015 PMID: 25741868, with internal and published modifications).